The following is an entry in ClinVar:

NM_001166114.2(PNPLA6):c.4077C>T (p.Pro1359=)

Gene: PNPLA6 (patatin like domain 6, lysophospholipase; plus strand). Cytogenetic location: 19p13.2.
Variant type: single nucleotide variant.
Coding change: c.4077C>T on transcript NM_001166114.2 (MANE Select); coding-DNA position 4077, C replaced by T.
Protein change: p.Pro1359=; no amino-acid change (proline 1359 retained).
Molecular consequence: synonymous variant.
Genome position (GRCh38, 1-based): chr19:7,561,541, C>T. VCF-style: chr19-7561541-C-T. GRCh37 (hg19) VCF-style: chr19-7626427-C-T.
Other names: c.4107C>T (NM_001166111.1); c.4107C>T, p.Pro1369= (NM_001166111.2); c.3882C>T, p.Pro1294= (NM_001166112.2); c.3963C>T, p.Pro1321= (NM_001166113.1, NM_006702.5).
Identifiers: ClinVar variation 698677 (VCV000698677.20), dbSNP rs143060121, ClinGen allele CA9140704.

ClinVar aggregate classification (germline): Conflicting classifications of pathogenicity. Review status: criteria provided, conflicting classifications (1 of 4 stars). 5 submissions from 5 submitters: Uncertain significance (2); Likely benign (2). 1 of the submissions does not count toward it. Last evaluated 2025-09-19.

Conditions:
PNPLA6-related disorder. Also called: PNPLA6-related disorders; PNPLA6-related condition.
Hereditary spastic paraplegia. Also called: Familial spastic paraparesis. Identifiers: Orphanet 685, MedGen C0037773, MONDO:0019064. Disease mechanism: loss of function.
Hereditary spastic paraplegia 39 (SPG39). Also called: Spastic Paraplegia Type 39 (SPG39); SPASTIC PARAPLEGIA 39, AUTOSOMAL RECESSIVE. Identifiers: Orphanet 139480, MedGen C2677586, MONDO:0012787, OMIM 612020.

Allele frequency attached by ClinVar (database versions not stated): gnomAD exomes 0.00008; gnomAD 0.00010 and 0.00011; ExAC 0.00011; TOPMed 0.00012; ESP Exome Variant Server 0.00023.
gnomAD v4.1: 136 of 1,605,802 alleles (0.0085%); highest among the groups gnomAD compares: Non-Finnish European, 0.01%; no homozygotes.

Submissions (5):

Labcorp Genetics (formerly Invitae), Labcorp
Classification: Likely benign for Hereditary spastic paraplegia 39. Last evaluated: 2025-09-19. Review status: criteria provided, single submitter. Criteria: Invitae Variant Classification Sherloc (09022015). Collection method: clinical testing. Allele origin: germline.

Blueprint Genetics
Classification: Likely benign. Last evaluated: 2024-07-08. Review status: criteria provided, single submitter. Criteria: ACMG Guidelines, 2015. Collection method: clinical testing. Allele origin: germline.

Illumina Laboratory Services, Illumina
Classification: Uncertain significance for Hereditary spastic paraplegia 39. Last evaluated: 2018-01-12. Review status: criteria provided, single submitter. Criteria: ICSL Variant Classification Criteria 13 December 2019. Collection method: clinical testing. Allele origin: germline.

Genome Diagnostics Laboratory, The Hospital for Sick Children
Classification: Uncertain significance for Hereditary spastic paraplegia. Last evaluated: 2016-12-12. Review status: criteria provided, single submitter. Criteria: ACMG Guidelines, 2015. Collection method: clinical testing. Allele origin: germline. Affected: yes.

PreventionGenetics, part of Exact Sciences
Classification: Likely benign for PNPLA6-related condition. Last evaluated: 2022-11-18. Review status: no assertion criteria provided. Collection method: clinical testing. Allele origin: germline. Not counted in ClinVar's aggregate classification.
Comment: This variant is classified as likely benign based on ACMG/AMP sequence variant interpretation guidelines (Richards et al. 2015 PMID: 25741868, with internal and published modifications).